The following is an entry in ClinVar:

ClinVar aggregate classification (germline): Benign. Review status: criteria provided, multiple submitters, no conflicts (2 of 4 stars). 3 submissions from 3 submitters: Benign (2). 1 of the submissions does not count toward it. Last evaluated 2019-12-31.

Conditions:
XIRP2-related disorder. Also called: XIRP2-related condition.

Allele frequency attached by ClinVar (database versions not stated): ESP Exome Variant Server 0.00008; gnomAD 0.00198 and 0.00325; TOPMed 0.00315; gnomAD exomes 0.00335 and 0.00602; ExAC 0.00598; 1000 Genomes Project 30x 0.01655; 1000 Genomes Project 0.01777.
gnomAD v4.1: 5,350 of 1,613,546 alleles (0.33%); highest among the groups gnomAD compares: East Asian, 9%; 216 homozygotes.

Submissions (3):

Labcorp Genetics (formerly Invitae), Labcorp
Classification: Benign. Last evaluated: 2019-12-31. Review status: criteria provided, single submitter. Criteria: Invitae Variant Classification Sherloc (09022015). Collection method: clinical testing. Allele origin: germline.

Breakthrough Genomics
Classification: Benign. Review status: criteria provided, single submitter. Criteria: ACMG Guidelines, 2015. Collection method: not provided. Allele origin: germline. Inheritance: Unknown mechanism. Affected: yes.

PreventionGenetics, part of Exact Sciences
Classification: Benign for XIRP2-related condition. Last evaluated: 2019-03-27. Review status: no assertion criteria provided. Collection method: clinical testing. Allele origin: germline. Not counted in ClinVar's aggregate classification.
Comment: This variant is classified as benign based on ACMG/AMP sequence variant interpretation guidelines (Richards et al. 2015 PMID: 25741868, with internal and published modifications).

NM_152381.6(XIRP2):c.10110A>G (p.Thr3370=)

Gene: XIRP2 (xin actin binding repeat containing 2; plus strand). Cytogenetic location: 2q24.3.
Variant type: single nucleotide variant.
Coding change: c.10110A>G on transcript NM_152381.6 (MANE Select); coding-DNA position 10110, A replaced by G.
Protein change: p.Thr3370=; no amino-acid change (threonine 3370 retained).
Molecular consequence: synonymous variant. On other transcripts: intron variant (3).
Genome position (GRCh38, 1-based): chr2:167,251,502, A>G. VCF-style: chr2-167251502-A-G. GRCh37 (hg19) VCF-style: chr2-168108012-A-G.
Other names: c.9444A>G, p.Thr3148= (NM_001199144.2); c.1276-2530A>G (NM_001199143.2); c.1177-2530A>G (NM_001079810.4); c.511-2530A>G (NM_001199145.2); c.10110A>G (NM_152381.5).
Identifiers: ClinVar variation 724600 (VCV000724600.7), dbSNP rs2291111, ClinGen allele CA1948167.